The following is an entry in ClinVar:

NM_201596.3(CACNB2):c.762G>A (p.Thr254=)

Gene: CACNB2 (calcium voltage-gated channel auxiliary subunit beta 2; plus strand). Cytogenetic location: 10p12.31.
Variant type: single nucleotide variant.
Coding change: c.762G>A on transcript NM_201596.3 (MANE Select); coding-DNA position 762, G replaced by A.
Protein change: p.Thr254=; no amino-acid change (threonine 254 retained).
Molecular consequence: synonymous variant. On other transcripts: intron variant (5).
Genome position (GRCh38, 1-based): chr10:18,514,327, G>A. VCF-style: chr10-18514327-G-A. GRCh37 (hg19) VCF-style: chr10-18803256-G-A.
Other names: c.597G>A, p.Thr199= (NM_000724.4); c.618G>A, p.Thr206= (NM_201570.3); c.678G>A, p.Thr226= (NM_201571.4); c.600G>A, p.Thr200= (NM_201590.3); c.587-184G>A (NM_001167945.2); c.587-653G>A (NM_201572.4); c.671-184G>A (NM_201593.3); c.671-653G>A (NM_201597.3); and 1 more.
Identifiers: ClinVar variation 1087708 (VCV001087708.13), dbSNP rs1212860668, ClinGen allele CA468439928.
Genomic context (GRCh38, chr10:18,514,327, plus strand): 5'-AGAAGAAAATGATATTCCAGCAAACCACCGCTCCCCTAAACCCAGTGCAAACAGTGTAAC[G>A]TCACCCCACTCCAAAGAGAAAAGAATGCCCTTCTTTAAGAAGGTAACATTAACTTCCAAG-3'
Protein context (NP_963890.2, residues 244-264): RSPKPSANSV[Thr254=]SPHSKEKRMP

ClinVar aggregate classification (germline): Likely benign. Review status: criteria provided, multiple submitters, no conflicts (2 of 4 stars). 4 submissions from 4 submitters: Likely benign (4). Last evaluated 2025-10-15.

Conditions:
Cardiovascular phenotype. Identifiers: MedGen CN230736.
Brugada syndrome 4 (BRGDA4). Identifiers: Orphanet 130, MedGen C2678477, MONDO:0012743, OMIM 611876.
CACNB2-related disorder. Also called: CACNB2-related condition.

Allele frequency attached by ClinVar (database versions not stated): gnomAD 0.00001; gnomAD exomes 0.00001; TOPMed 0.00001.
gnomAD v4.1: 17 of 1,613,960 alleles (0.0011%); highest among the groups gnomAD compares: Middle Eastern, 0.016%; no homozygotes.

Submissions (4):

PreventionGenetics, part of Exact Sciences
Classification: Likely benign for CACNB2-related condition. Last evaluated: 2025-10-15. Review status: criteria provided, single submitter. Criteria: ACMG Guidelines, 2015. Collection method: clinical testing. Allele origin: germline.
Comment: This variant is classified as likely benign based on ACMG/AMP sequence variant interpretation guidelines (Richards et al. 2015 PMID: 25741868, with internal and published modifications).

Labcorp Genetics (formerly Invitae), Labcorp
Classification: Likely benign for Brugada syndrome 4. Last evaluated: 2024-02-06. Review status: criteria provided, single submitter. Criteria: Invitae Variant Classification Sherloc (09022015). Collection method: clinical testing. Allele origin: germline.

Blueprint Genetics
Classification: Likely benign. Last evaluated: 2023-05-02. Review status: criteria provided, single submitter. Criteria: ACMG Guidelines, 2015. Collection method: clinical testing. Allele origin: germline.

Ambry Genetics
Classification: Likely benign for Cardiovascular phenotype. Last evaluated: 2020-06-29. Review status: criteria provided, single submitter. Criteria: Ambry Variant Classification Scheme 2023. Collection method: clinical testing. Allele origin: germline.